The following is an entry in ClinVar:

NC_000019.10:g.(?_13075535)_(13078735_?)del

Gene: NFIX (nuclear factor I X; plus strand). Cytogenetic location: 19p13.13.
Variant type: Deletion.
Identifiers: ClinVar variation 583425 (VCV000583425.1).

ClinVar aggregate classification (germline): Pathogenic (1 of 4 stars; one submission).

Conditions:
Marshall-Smith syndrome (MRSHSS). Identifiers: Orphanet 561, MedGen C0265211, MONDO:0011244, OMIM 602535.
Malan overgrowth syndrome (MALNS). Also called: MALAN SYNDROME; Sotos syndrome 2; NFIX-Related Malan Syndrome. Identifiers: Orphanet 420179, MedGen C3553660, MONDO:0013885, OMIM 614753.

Submission:

Labcorp Genetics (formerly Invitae), Labcorp
Classification: Pathogenic for Sotos syndrome 2; Marshall-Smith syndrome. Last evaluated: 2018-07-05. Review status: criteria provided, single submitter. Criteria: Invitae Variant Classification Sherloc (09022015). Collection method: clinical testing. Allele origin: germline.
Comment: This variant is an out-of-frame deletion of the genomic region encompassing exons 6-7 of the NFIX gene. This is expected to create a premature translational stop signal and result in an absent or disrupted protein product. A similar deletion has not been reported in the literature in individuals with NFIX-related disease. Loss-of-function variants in NFIX are known to be pathogenic (PMID: 20673863, 25118028). For these reasons, this variant has been classified as Pathogenic.